The following is an entry in ClinVar:

ClinVar aggregate classification (germline): Conflicting classifications of pathogenicity. Review status: criteria provided, conflicting classifications (1 of 4 stars). 14 submissions from 14 submitters: Likely pathogenic (1); Uncertain significance (6); Likely benign (6). 1 of the submissions does not count toward it. Last evaluated 2026-04-21.

Conditions:
Spastic diplegia. Identifiers: MedGen C0023882, HP:0001264.
Hereditary spastic paraplegia 4. Also called: Spastic paraplegia 4, autosomal dominant; Spastic Paraplegia 4; Familial spastic paraplegia autosomal dominant 2. Identifiers: Orphanet 100985, MedGen C1866855, MONDO:0008438, OMIM 182601.
Inborn genetic diseases. Identifiers: MedGen C0950123, MeSH D030342.

Allele frequency attached by ClinVar (database versions not stated): 1000 Genomes Project 30x 0.00016; 1000 Genomes Project 0.00020; gnomAD 0.00021 and 0.00024; TOPMed 0.00025; ESP Exome Variant Server 0.00031; ExAC 0.00043; gnomAD exomes 0.00046.
gnomAD v4.1: 413 of 1,611,888 alleles (0.026%); highest among the groups gnomAD compares: Admixed American, 0.077%; no homozygotes.

Submissions (14):

Women's Health and Genetics/Laboratory Corporation of America, LabCorp
Classification: Likely benign. Last evaluated: 2026-04-21. Review status: criteria provided, single submitter. Criteria: LabCorp Variant Classification Summary - May 2015. Collection method: clinical testing. Allele origin: germline.
Comment: Variant summary: SPAST c.1625A>G (p.Asp542Gly) results in a non-conservative amino acid change located in the AAA ATPase, AAA+ lid domain (IPR041569) of the encoded protein sequence. Algorithms developed to predict the effect of missense changes on protein structure and function all suggest that this variant is likely to be disruptive. The variant allele was found at a frequency of 0.00046 in 249664 control chromosomes (114 heterozygous individuals in gnomAD), suggesting it is unlikely to be strongly associated with a highly penetrant autosomal dominant condition with an early age of onset and is likely a benign polymorphism. c.1625A>G has been reported in the literature in individuals affected with various neurological phenotypes including spastic paraplegia (e.g. Magariello_2010, de Bot_2011, D'Amore_2018, Parodi_2018), amyotrophic lateral sclerosis (e.g. Brugman_2005, Bartoletti-Stella_2021, Grassano_2022), motor neuron disease (Lee_2014), multiple sclerosis (Jia_2018), mitochondrial disorders (DaRe_2013), and cerebral palsy (van Eyk_2021), in most cases without strong evidence for causality. These data do not allow any conclusion about variant significance. To our knowledge, no experimental evidence demonstrating an impact on protein function has been reported. The following publications have been ascertained in the context of this evaluation (PMID: 31134136, 16240363, 30564185, 24215330, 29908077, 25326637, 19875132, 20562464, 30476002, 33770234, 34531397, 35896380). ClinVar contains an entry for this variant (Variation ID: 217003). Based on the evidence outlined above, the variant was classified as likely benign.

CeGaT Center for Human Genetics Tuebingen
Classification: Likely benign. Last evaluated: 2026-03-01. Review status: criteria provided, single submitter. Criteria: CeGaT Center For Human Genetics Tuebingen Variant Classification Criteria Version 2. Collection method: clinical testing. Allele origin: germline. Affected: yes. Observed: 3 variant alleles.
Comment: SPAST: PP2, BS1

Labcorp Genetics (formerly Invitae), Labcorp
Classification: Likely benign for Hereditary spastic paraplegia 4. Last evaluated: 2025-10-24. Review status: criteria provided, single submitter. Criteria: Invitae Variant Classification Sherloc (09022015). Collection method: clinical testing. Allele origin: germline.

Mayo Clinic Laboratories, Mayo Clinic
Classification: Uncertain significance. Last evaluated: 2025-10-24. Review status: criteria provided, single submitter. Criteria: ACMG Guidelines, 2015. Collection method: clinical testing. Allele origin: germline. Observed: 1 variant allele.
Comment: BS1, PP3_moderate

Neurogenetics Research Program, University of Adelaide
Classification: Uncertain significance for Spastic diplegia. Last evaluated: 2025-09-07. Review status: criteria provided, single submitter. Criteria: ACMG Guidelines, 2015. Collection method: research. Allele origin: maternal. Inheritance: Autosomal dominant inheritance. Affected: yes. Observed: 1 variant allele.
Comment: SPAST c.1625A>G (p.Asp542Gly) results in a non-conservative amino acid change located in the AAA ATPase domain. Multiple in-silico tools predict a damaging effect of the variant on protein function. The variant allele was found at a frequency of 0.0002562 control chromosomes (413/1611888 individuals), suggesting it is unlikely to be strongly associated with a highly penetrant autosomal dominant condition with an early age of onset and may instead be a benign polymorphism. Variable age of onset and penetrance within families has been reported for SPG4 (PMID: 30476002). For this reason, this variant has been classified as a VUS.

Blueprint Genetics
Classification: Uncertain significance. Last evaluated: 2024-09-11. Review status: criteria provided, single submitter. Criteria: ACMG Guidelines, 2015. Collection method: clinical testing. Allele origin: germline.

Department of Pathology and Laboratory Medicine, Sinai Health System
Classification: Likely benign for Hereditary spastic paraplegia 4. Last evaluated: 2023-02-07. Review status: criteria provided, single submitter. Criteria: ACMG Guidelines, 2015. Collection method: research. Allele origin: germline.

Revvity Omics, Revvity
Classification: Uncertain significance for Hereditary spastic paraplegia 4. Last evaluated: 2022-04-07. Review status: criteria provided, single submitter. Criteria: ACMG Guidelines, 2015. Collection method: clinical testing. Allele origin: germline.

Ambry Genetics
Classification: Likely benign for Inborn genetic diseases. Last evaluated: 2021-10-01. Review status: criteria provided, single submitter. Criteria: Ambry Variant Classification Scheme 2023. Collection method: clinical testing. Allele origin: germline.

Mendelics
Classification: Uncertain significance for Hereditary spastic paraplegia 4. Last evaluated: 2019-05-28. Review status: criteria provided, single submitter. Criteria: Mendelics Assertion Criteria 2017. Collection method: clinical testing. Allele origin: unknown.

GeneDx
Classification: Likely benign. Last evaluated: 2019-03-21. Review status: criteria provided, single submitter. Criteria: GeneDx Variant Classification Process June 2021. Collection method: clinical testing. Allele origin: germline. Affected: yes.
Comment: This variant is associated with the following publications: (PMID: 24215330, 19875132, 30564185, 20562464, 17971434, 16240363, 25326637, 31134136, 30476002)

Illumina Laboratory Services, Illumina
Classification: Uncertain significance for Hereditary spastic paraplegia 4. Last evaluated: 2018-08-08. Review status: criteria provided, single submitter. Criteria: ICSL Variant Classification Criteria 13 December 2019. Collection method: clinical testing. Allele origin: germline.
Comment: This variant was observed as part of a predisposition screen in an ostensibly healthy population. A literature search was performed for the gene, cDNA change, and amino acid change (where applicable). Publications were found based on this search. However, the evidence from the literature, in combination with allele frequency data from public databases where available, was not sufficient to rule this variant in or out of causing disease. Therefore, this variant is classified as a variant of unknown significance.

UCLA Clinical Genomics Center, UCLA
Classification: Likely pathogenic for Spastic paraplegia 4, autosomal dominant. Last evaluated: 2013-06-25. Review status: criteria provided, single submitter. Criteria: Lee et al. (JAMA. 2014). Collection method: clinical testing. Allele origin: unknown. Inheritance: Autosomal dominant inheritance. Affected: yes. Study: CES.

Zotz-Klimas Genetics Lab, MVZ Zotz Klimas
Classification: Uncertain significance for Hereditary spastic paraplegia 4. Last evaluated: 2023-11-24. Review status: no assertion criteria provided. Collection method: clinical testing. Allele origin: germline. Affected: yes. Not counted in ClinVar's aggregate classification.

Literature cited by the submitters: PubMed 24215330 (cited by 3 submitters); PubMed 25326637 (cited by Women's Health and Genetics/Laboratory Corporation of America, LabCorp and Illumina Laboratory Services, Illumina); PubMed 31134136 (cited by Women's Health and Genetics/Laboratory Corporation of America, LabCorp); PubMed 16240363 (cited by 3 submitters); PubMed 30564185 (cited by Women's Health and Genetics/Laboratory Corporation of America, LabCorp and Mayo Clinic Laboratories, Mayo Clinic); PubMed 29908077 (cited by Women's Health and Genetics/Laboratory Corporation of America, LabCorp); PubMed 19875132 (cited by Women's Health and Genetics/Laboratory Corporation of America, LabCorp and Illumina Laboratory Services, Illumina); PubMed 20562464 (cited by Women's Health and Genetics/Laboratory Corporation of America, LabCorp and Illumina Laboratory Services, Illumina); PubMed 34531397 (cited by Women's Health and Genetics/Laboratory Corporation of America, LabCorp); PubMed 33770234 (cited by Women's Health and Genetics/Laboratory Corporation of America, LabCorp and Mayo Clinic Laboratories, Mayo Clinic); PubMed 35896380 (cited by Women's Health and Genetics/Laboratory Corporation of America, LabCorp and Mayo Clinic Laboratories, Mayo Clinic); PubMed 30476002 (cited by Women's Health and Genetics/Laboratory Corporation of America, LabCorp and Mayo Clinic Laboratories, Mayo Clinic); PubMed 17971434 (cited by Mayo Clinic Laboratories, Mayo Clinic and Illumina Laboratory Services, Illumina); PubMed 18975132 (cited by Illumina Laboratory Services, Illumina).

NM_014946.4(SPAST):c.1625A>G (p.Asp542Gly)

Gene: SPAST (spastin; plus strand). Cytogenetic location: 2p22.3.
Variant type: single nucleotide variant.
Coding change: c.1625A>G on transcript NM_014946.4 (MANE Select); coding-DNA position 1625, A replaced by G.
Protein change: p.Asp542Gly; replaces aspartic acid 542 with glycine.
Molecular consequence: missense variant. On other transcripts: intron variant (1).
Genome position (GRCh38, 1-based): chr2:32,144,945, A>G. VCF-style: chr2-32144945-A-G. GRCh37 (hg19) VCF-style: chr2-32370014-A-G.
Other names: p.Asp542Gly; c.1622A>G, p.Asp541Gly (NM_001363823.2); c.1526A>G, p.Asp509Gly (NM_001363875.2); c.1529A>G, p.Asp510Gly (NM_199436.2); c.1520+1530A>G (NM_001377959.1); short protein forms D542G, D541G, D509G, D510G.
Identifiers: ClinVar variation 217003 (VCV000217003.64), dbSNP rs142053576, ClinGen allele CA277520.